The following is an entry in ClinVar:

ClinVar aggregate classification (germline): Uncertain significance (1 of 4 stars; one submission).

Allele frequency attached by ClinVar (database versions not stated): TOPMed below 0.00001; gnomAD 0.00001.
gnomAD v4.1: 8 of 1,614,064 alleles (0.0005%); highest among the groups gnomAD compares: East Asian, 0.0067%; no homozygotes.

Submission:

Ambry Genetics
Classification: Uncertain significance. Last evaluated: 2023-11-01. Review status: criteria provided, single submitter. Criteria: Ambry Variant Classification Scheme 2023. Collection method: clinical testing. Allele origin: germline.
Comment: The p.R48T variant (also known as c.143G>C), located in coding exon 1 of the PALLD gene, results from a G to C substitution at nucleotide position 143. The arginine at codon 48 is replaced by threonine, an amino acid with similar properties. This amino acid position is conserved. In addition, this alteration is predicted to be tolerated by in silico analysis. Since supporting evidence is limited at this time, the clinical significance of this alteration remains unclear.

NM_001166108.2(PALLD):c.143G>C (p.Arg48Thr)

Gene: PALLD (palladin, cytoskeletal associated protein; plus strand). Cytogenetic location: 4q32.3.
Variant type: single nucleotide variant.
Coding change: c.143G>C on transcript NM_001166108.2 (MANE Select); coding-DNA position 143, G replaced by C.
Protein change: p.Arg48Thr; replaces arginine 48 with threonine.
Molecular consequence: missense variant.
Genome position (GRCh38, 1-based): chr4:168,511,647, G>C. VCF-style: chr4-168511647-G-C. GRCh37 (hg19) VCF-style: chr4-169432798-G-C.
Other names: c.143G>C, p.Arg48Thr (NM_016081.4); short protein forms R48T.
Identifiers: ClinVar variation 1772682 (VCV001772682.2), dbSNP rs995896228, ClinGen allele CA109882606.
Genomic context (GRCh38, chr4:168,511,647, plus strand): 5'-CGGGCCTTTCTGCTTTCCTCAGCCAGGAAGAGATAAACAAGAGTCTTGACCTGGCCCGGA[G>C]AGCCATAGCCGACTCCGAAACAGAAGATTTTGACTCGGAAAAGGAGATCTCGCAGATTTT-3'
Protein context (NP_001159580.1, residues 38-58): EINKSLDLAR[Arg48Thr]AIADSETEDF